The following is an entry in ClinVar:

NM_014363.6(SACS):c.2076del (p.Ser693fs)

Gene: SACS (sacsin molecular chaperone; minus strand). Cytogenetic location: 13q12.12.
Variant type: Deletion.
Coding change: c.2076del on transcript NM_014363.6 (MANE Select); coding-DNA position 2076, one base deleted (C; older notation c.2076delC).
Protein change: p.Ser693fs; shifts the reading frame from serine 693.
Molecular consequence: frameshift variant.
Genome position (GRCh38, 1-based): chr13:23,354,536, G deleted on the plus strand (C on the coding strand, the reverse complement: SACS is on the minus strand); the first of 2 consecutive G bases (chr13:23,354,536-23,354,537); deleting either gives the same sequence. VCF-style (leftmost placement, unchanged base first): chr13-23354535-AG-A. GRCh37 (hg19) VCF-style: chr13-23928674-AG-A.
Other names: c.1635del, p.Ser546fs (NM_001278055.2); c.2076delC (NM_014363.5); short protein forms S546fs, S693fs.
Identifiers: ClinVar variation 370088 (VCV000370088.4), dbSNP rs1057516224, ClinGen allele CA16041650.

ClinVar aggregate classification (germline): Likely pathogenic. Review status: criteria provided, single submitter (1 of 4 stars). 2 submissions from 2 submitters: Likely pathogenic (1). 1 of the submissions does not count toward it. Last evaluated 2024-10-16.

Conditions:
Charlevoix-Saguenay spastic ataxia (SACS). Also called: Spastic ataxia of Charlevoix-Saguenay; SPASTIC ATAXIA 6, AUTOSOMAL RECESSIVE; AUTOSOMAL RECESSIVE SPASTIC ATAXIA OF CHARLEVOIX-SAGUENAY. Identifiers: Orphanet 98, MedGen C1849140, MONDO:0010041, OMIM 270550.

Submissions (2):

Natera, Inc.
Classification: Likely pathogenic for Charlevoix-Saguenay type spastic ataxia. Last evaluated: 2024-10-16. Review status: criteria provided, single submitter. Criteria: Natera Variant Classification Schema (03/2026). Collection method: clinical testing. Allele origin: germline.
Comment: The c.2076delC variant in SACS is a frameshift variant predicted to shift the reading frame beginning at codon 693 and leads to a stop codon 21 codons downstream. This variant is expected to result in nonsense mediated decay, truncation, or a dysfunctional protein product. This variant is rare in the general population with a frequency below the threshold expected for the associated phenotype(s). This variant has been observed in one or more individuals affected with the associated recessive disease, as either homozygous or compound heterozygous with a second variant (PMID: 22751902). Additionally, this variant has been observed to segregate in affected family members (PMID: 22751902). Given the available evidence, this variant is classified as Likely Pathogenic.

Counsyl
Classification: Likely pathogenic for Charlevoix-Saguenay spastic ataxia. Last evaluated: 2015-11-23. Review status: no assertion criteria provided. Collection method: clinical testing. Allele origin: unknown. Not counted in ClinVar's aggregate classification.

Literature cited by the submitters: PubMed 22751902 (cited by Natera, Inc. and Counsyl).